The following is an entry in ClinVar:

ClinVar aggregate classification (germline): Uncertain significance. Review status: criteria provided, multiple submitters, no conflicts (2 of 4 stars). 2 submissions from 2 submitters: Uncertain significance (2). Last evaluated 2025-04-13.

Conditions:
Inborn genetic diseases. Identifiers: MedGen C0950123, MeSH D030342.

Allele frequency attached by ClinVar (database versions not stated): gnomAD exomes 0.00003 and 0.00001; gnomAD 0.00013 and 0.00016; TOPMed 0.00014; ExAC 0.00003.
gnomAD v4.1: 30 of 1,579,260 alleles (0.0019%); highest among the groups gnomAD compares: African/African-American, 0.04%; no homozygotes.

Submissions (2):

Ambry Genetics
Classification: Uncertain significance for Inborn genetic diseases. Last evaluated: 2025-04-13. Review status: criteria provided, single submitter. Criteria: Ambry Variant Classification Scheme 2023. Collection method: clinical testing. Allele origin: germline.

Labcorp Genetics (formerly Invitae), Labcorp
Classification: Uncertain significance. Last evaluated: 2022-07-25. Review status: criteria provided, single submitter. Criteria: Invitae Variant Classification Sherloc (09022015). Collection method: clinical testing. Allele origin: germline.
Comment: This sequence change replaces glutamine, which is neutral and polar, with arginine, which is basic and polar, at codon 664 of the IFT81 protein (p.Gln664Arg). This variant is present in population databases (rs755824529, gnomAD 0.04%). This variant has not been reported in the literature in individuals affected with IFT81-related conditions. ClinVar contains an entry for this variant (Variation ID: 1413030). Algorithms developed to predict the effect of missense changes on protein structure and function are either unavailable or do not agree on the potential impact of this missense change (SIFT: "Deleterious"; PolyPhen-2: "Benign"; Align-GVGD: "Class C0"). In summary, the available evidence is currently insufficient to determine the role of this variant in disease. Therefore, it has been classified as a Variant of Uncertain Significance.

NM_014055.4(IFT81):c.1991A>G (p.Gln664Arg)

Gene: IFT81 (intraflagellar transport 81; plus strand). Cytogenetic location: 12q24.11.
Variant type: single nucleotide variant.
Coding change: c.1991A>G on transcript NM_014055.4 (MANE Select); coding-DNA position 1991, A replaced by G.
Protein change: p.Gln664Arg; replaces glutamine 664 with arginine.
Molecular consequence: missense variant. On other transcripts: non-coding transcript variant (4).
Genome position (GRCh38, 1-based): chr12:110,218,186, A>G. VCF-style: chr12-110218186-A-G. GRCh37 (hg19) VCF-style: chr12-110655991-A-G.
Other names: c.1991A>G, p.Gln664Arg (NM_001143779.2); c.1061A>G, p.Gln354Arg (NM_001347947.2, NM_001347948.2); c.1991A>G (NM_014055.3); short protein forms Q354R, Q664R.
Identifiers: ClinVar variation 1413030 (VCV001413030.4), dbSNP rs755824529, ClinGen allele CA6783548.